The following is an entry in ClinVar:

NM_000492.4(CFTR):c.4024G>A (p.Gly1342Arg)

Gene: CFTR (CF transmembrane conductance regulator; plus strand). Cytogenetic location: 7q31.2.
Variant type: single nucleotide variant.
Coding change: c.4024G>A on transcript NM_000492.4 (MANE Select); coding-DNA position 4024, G replaced by A.
Protein change: p.Gly1342Arg; replaces glycine 1342 with arginine.
Molecular consequence: missense variant.
Genome position (GRCh38, 1-based): chr7:117,664,748, G>A. VCF-style: chr7-117664748-G-A. GRCh37 (hg19) VCF-style: chr7-117304802-G-A.
Other names: short protein forms G1342R.
Identifiers: ClinVar variation 2453631 (VCV002453631.2), dbSNP rs2485181728, ClinGen allele CA368982293.

ClinVar aggregate classification (germline): Uncertain significance (1 of 4 stars; one submission).

Conditions:
Cystic fibrosis (CF). Also called: MUCOVISCIDOSIS. Identifiers: Orphanet 586, MedGen C0010674, MONDO:0009061, OMIM 219700. Disease mechanism: loss of function.

Submission:

Ambry Genetics
Classification: Uncertain significance for Cystic fibrosis. Last evaluated: 2022-12-23. Review status: criteria provided, single submitter. Criteria: Ambry Variant Classification Scheme 2023. Collection method: clinical testing. Allele origin: germline.
Comment: The p.G1342R variant (also known as c.4024G>A), located in coding exon 25 of the CFTR gene, results from a G to A substitution at nucleotide position 4024. The glycine at codon 1342 is replaced by arginine, an amino acid with dissimilar properties. This amino acid position is conserved. In addition, this alteration is predicted to be deleterious by in silico analysis. Since supporting evidence is limited at this time, the clinical significance of this alteration remains unclear.